The following is an entry in ClinVar:

NM_000492.4(CFTR):c.1397C>G (p.Ser466Ter)

Genes: CFTR (CF transmembrane conductance regulator; plus strand), CFTR-AS1 (CFTR antisense RNA 1; minus strand). Cytogenetic location: 7q31.2.
Variant type: single nucleotide variant.
Coding change: c.1397C>G on transcript NM_000492.4 (MANE Select); coding-DNA position 1397, C replaced by G.
Protein change: p.Ser466Ter; replaces serine 466 with a stop codon.
Molecular consequence: nonsense.
Genome position (GRCh38, 1-based): chr7:117,559,468, C>G. VCF-style: chr7-117559468-C-G. GRCh37 (hg19) VCF-style: chr7-117199522-C-G.
Other names: short protein forms S466*.
Identifiers: ClinVar variation 35822 (VCV000035822.63), dbSNP rs121908805, ClinGen allele CA342833.

ClinVar aggregate classification (germline): Pathogenic. Review status: reviewed by expert panel (3 of 4 stars). 23 submissions from 21 submitters: Pathogenic (1). 22 of the submissions do not count toward it. Last evaluated 2017-03-17.

Conditions:
CFTR-related disorder (CFTR-RD). Also called: CFTR-related disorders; CFTR-related condition. Identifiers: MedGen C5924204, MONDO:7770004.
Congenital bilateral aplasia of vas deferens from CFTR mutation (CBAVD). Identifiers: Orphanet 48, MedGen C0403814, MONDO:0010178, OMIM 277180. Disease mechanism: loss of function.
Cystic fibrosis (CF). Also called: MUCOVISCIDOSIS. Identifiers: Orphanet 586, MedGen C0010674, MONDO:0009061, OMIM 219700. Disease mechanism: loss of function.
Bronchiectasis with or without elevated sweat chloride 1 (BESC1). Also called: Cystic Fibrosis-Like Syndrome. Identifiers: Orphanet 60033, MedGen C2749757, MONDO:0008887, OMIM 211400.
Hereditary pancreatitis (PCTT). Also called: Hereditary chronic pancreatitis; PRSS1-Related Hereditary Pancreatitis. Identifiers: Orphanet 676, MedGen C0238339, MONDO:0008185, OMIM 167800.
Obstructive azoospermia. Identifiers: MedGen C4023106, HP:0011962.

Allele frequency attached by ClinVar (database versions not stated): gnomAD exomes 0.00001; gnomAD 0.00002 and 0.00003.
gnomAD v4.1: 13 of 1,599,000 alleles (0.00081%); highest among the groups gnomAD compares: African/African-American, 0.0081%; no homozygotes.

Submissions 1 to 14 of 23:

CFTR2
Classification: Pathogenic for Cystic fibrosis. Last evaluated: 2017-03-17. Review status: reviewed by expert panel. Criteria: Sosnay PR et al. (Nat Genet 2013). Collection method: research. Allele origin: germline. Affected: yes. Study: CFTR2.

Institute of Human Genetics, University of Leipzig Medical Center
Classification: Pathogenic for Cystic fibrosis. Last evaluated: 2026-04-09. Review status: criteria provided, single submitter. Criteria: ACMG Guidelines, 2015. Collection method: clinical testing. Allele origin: unknown. Inheritance: Autosomal recessive inheritance. Affected: yes. Not counted in ClinVar's aggregate classification.
Comment: Criteria applied: PVS1,PS1,PM3_STR,PM2_SUP,PP4

Natera, Inc.
Classification: Pathogenic for CFTR-related disorders. Last evaluated: 2025-11-26. Review status: criteria provided, single submitter. Criteria: Natera Variant Classification Schema (03/2026). Collection method: clinical testing. Allele origin: germline. Not counted in ClinVar's aggregate classification.
Comment: The c.1397C>G variant in CFTR is a nonsense variant predicted to introduce a stop codon at amino acid 466. This variant is expected to result in nonsense mediated decay, truncation, or a dysfunctional protein product. This variant is rare in the general population with a frequency below the threshold expected for the associated phenotype(s). This variant has been observed in one or more individuals affected with the associated recessive disease, as either homozygous or compound heterozygous with a second variant (PMID: 17662673, 35110256, 38744777). Given the available evidence, this variant is classified as Pathogenic.

PreventionGenetics, part of Exact Sciences
Classification: Pathogenic for CFTR-related condition. Last evaluated: 2025-07-28. Review status: criteria provided, single submitter. Criteria: ACMG Guidelines, 2015. Collection method: clinical testing. Allele origin: germline. Not counted in ClinVar's aggregate classification.
Comment: The CFTR c.1397C>G variant is predicted to result in premature protein termination (p.Ser466*). This variant has been reported to be causative for cystic fibrosis in the presence of a second pathogenic variant (see example: Table S2, Sosnay et al. 2013. PubMed ID: 23974870; Petrova et al. 2020. PubMed ID: 32429104; Chernykh et al. 2023. PubMed ID: 38003474). This variant is reported in 0.012% of alleles in individuals of African descent in gnomAD. Nonsense variants in CFTR are expected to be pathogenic. This variant is interpreted as pathogenic.

Johns Hopkins Genomics, Johns Hopkins University
Classification: Pathogenic for Cystic fibrosis. Last evaluated: 2025-07-11. Review status: criteria provided, single submitter. Criteria: ACMG Guidelines, 2015. Collection method: clinical testing. Allele origin: germline. Not counted in ClinVar's aggregate classification.
Comment: Disease-causing CFTR variant. See CFTR2 for phenotype information.

Blueprint Genetics
Classification: Pathogenic for CFTR-related disorders. Last evaluated: 2024-10-22. Review status: criteria provided, single submitter. Criteria: ACMG Guidelines, 2015. Collection method: clinical testing. Allele origin: germline. Affected: yes. Observed: 5 variant alleles. Not counted in ClinVar's aggregate classification.

Ambry Genetics
Classification: Pathogenic for Cystic fibrosis. Last evaluated: 2024-08-20. Review status: criteria provided, single submitter. Criteria: Ambry Variant Classification Scheme 2023. Collection method: clinical testing. Allele origin: germline. Not counted in ClinVar's aggregate classification.
Comment: The p.S466* pathogenic mutation (also known as c.1397C>G), located in coding exon 11 of the CFTR gene, results from a C to G substitution at nucleotide position 1397. This changes the amino acid from a serine to a stop codon within coding exon 11. This mutation was described in two unrelated German individuals with pancreatic insufficient cystic fibrosis (CF) in conjunction with p.F508del (Deufel A et al. Hum. Mutat., 1994;3:64-6). This mutation was also detected in the homozygous state in four unrelated Iranian individuals with CF (Alibakhshi R et al. J. Cyst. Fibros., 2008 Mar;7:102-9). In addition to the clinical data presented in the literature, this alteration is expected to result in loss of function by premature protein truncation or nonsense-mediated mRNA decay. As such, this alteration is interpreted as a disease-causing mutation.

Fulgent Genetics
Classification: Pathogenic for Hereditary pancreatitis; Bronchiectasis with or without elevated sweat chloride 1; Cystic fibrosis; Congenital bilateral aplasia of vas deferens from CFTR mutation. Last evaluated: 2024-06-07. Review status: criteria provided, single submitter. Criteria: ACMG Guidelines, 2015. Collection method: clinical testing. Allele origin: germline. Not counted in ClinVar's aggregate classification.

Baylor Genetics
Classification: Pathogenic for Bronchiectasis with or without elevated sweat chloride 1. Last evaluated: 2024-03-04. Review status: criteria provided, single submitter. Criteria: ACMG Guidelines, 2015. Collection method: clinical testing. Allele origin: unknown. Not counted in ClinVar's aggregate classification.

Labcorp Genetics (formerly Invitae), Labcorp
Classification: Pathogenic for Cystic fibrosis. Last evaluated: 2024-02-22. Review status: criteria provided, single submitter. Criteria: Invitae Variant Classification Sherloc (09022015). Collection method: clinical testing. Allele origin: germline. Not counted in ClinVar's aggregate classification.
Comment: This sequence change creates a premature translational stop signal (p.Ser466*) in the CFTR gene. It is expected to result in an absent or disrupted protein product. Loss-of-function variants in CFTR are known to be pathogenic (PMID: 1695717, 7691345, 9725922). This variant is present in population databases (rs121908805, gnomAD 0.01%). This premature translational stop signal has been observed in individual(s) with cystic fibrosis. While this variant is commonly found in cis with p.Arg1070Gln, it has also been observed without p.Arg1070Gln in affected individuals and is expected to be causative for CFTR-related conditions whether p.Arg1070Gln is present or not (PMID: 7509683, 16436643, 17662673, 21198395, 23974870, 24106596, 24586523, 24696795, 25910067). This variant is also known as 1529C>G. ClinVar contains an entry for this variant (Variation ID: 35822). For these reasons, this variant has been classified as Pathogenic.

Quest Diagnostics Nichols Institute San Juan Capistrano
Classification: Pathogenic. Last evaluated: 2023-02-22. Review status: criteria provided, single submitter. Criteria: Quest Diagnostics criteria. Collection method: clinical testing. Allele origin: unknown. Not counted in ClinVar's aggregate classification.
Comment: This nonsense variant causes the premature termination of CFTR protein synthesis. The frequency of this variant in the general population, 0.00012 (3/24954 chromosomes), is consistent with pathogenicity. In the published literature, the variant has been reported in individuals with Cystic Fibrosis (PMID: 32429104 (2020), 24696795 (2014), 24586523 (2014), 24106596 (2013), 21296036 (2011), 18951463 (2008)). Based on the available information, this variant is classified as pathogenic.

Laboratory for Molecular Medicine, Mass General Brigham Personalized Medicine
Classification: Pathogenic for Cystic fibrosis. Last evaluated: 2022-11-03. Review status: criteria provided, single submitter. Criteria: ACMG Guidelines, 2015. Collection method: clinical testing. Allele origin: germline. Not counted in ClinVar's aggregate classification.
Comment: The c.1397C>G (p.Ser466X) variant in CFTR has been reported in at least 14 individuals with cystic fibrosis, and was found in the heterozygous state with the CFTR p.Phe508del variant in at least 3 cases (Deufel 1994 PMID: 7509683, Sahami 2014 PMID: 24696795, Petrova 2020 PMID: 32429104, Claustres 2017 PMID: 28603918). It has also been identified in 0.0072% (3/41412) of African/African American chromosomes by gnomAD; however, this frequency is low enough to be consistent with a recessive allele frequency. This variant has also been reported in ClinVar (Variation ID 35822). This nonsense variant leads to a premature termination codon at position 466, which is predicted to lead to a truncated or absent protein. Loss of function of the CFTR gene is an established disease mechanism in autosomal recessive cystic fibrosis. In summary, this variant meets criteria to be classified as pathogenic for autosomal recessive cystic fibrosis. ACMG/AMP Criteria applied: PVS1, PM3_Strong, PM2_Supporting.

CeGaT Center for Human Genetics Tuebingen
Classification: Pathogenic. Last evaluated: 2022-10-01. Review status: criteria provided, single submitter. Criteria: CeGaT Center For Human Genetics Tuebingen Variant Classification Criteria Version 2. Collection method: clinical testing. Allele origin: germline. Affected: yes. Observed: 1 variant allele. Not counted in ClinVar's aggregate classification.
Comment: CFTR: PVS1, PM2, PP4:Moderate, PM3:Supporting

MGZ Medical Genetics Center
Classification: Pathogenic for Cystic fibrosis. Last evaluated: 2022-07-15. Review status: criteria provided, single submitter. Criteria: ACMG Guidelines, 2015. Collection method: clinical testing. Allele origin: germline. Affected: yes. Observed: 1 variant allele. Not counted in ClinVar's aggregate classification.
Comment: ACMG criteria applied: PVS1, PS4_MOD, PM3, PM2_SUP